The following continues an entry in ClinVar:

NM_021625.5(TRPV4):c.806G>A (p.Arg269His)

Gene: TRPV4. ClinVar aggregate classification (germline): Pathogenic/Likely pathogenic. Pathogenic (13); Likely pathogenic (1).

Submissions 5 to 19 of 19:

Labcorp Genetics (formerly Invitae), Labcorp
Classification: Pathogenic for Charcot-Marie-Tooth disease axonal type 2C. Last evaluated: 2022-10-31. Review status: criteria provided, single submitter. Criteria: Invitae Variant Classification Sherloc (09022015). Collection method: clinical testing. Allele origin: germline.
Comment: This sequence change replaces arginine, which is basic and polar, with histidine, which is basic and polar, at codon 269 of the TRPV4 protein (p.Arg269His). This variant is not present in population databases (gnomAD no frequency). This missense change has been observed in individuals with a range of neurological disorders including scapuloperoneal spinal muscular atrophy and CMT (PMID: 20037587, 20460441, 24575025, 24789864). It has also been observed to segregate with disease in related individuals. ClinVar contains an entry for this variant (Variation ID: 5000). Advanced modeling of protein sequence and biophysical properties (such as structural, functional, and spatial information, amino acid conservation, physicochemical variation, residue mobility, and thermodynamic stability) performed at Invitae indicates that this missense variant is expected to disrupt TRPV4 protein function. Experimental studies have shown that this missense change affects TRPV4 function (PMID: 20037586, 20037588, 21288981, 21454511, 25256292). This variant disrupts the p.Arg269 amino acid residue in TRPV4. Other variant(s) that disrupt this residue have been determined to be pathogenic (PMID: 21336783, 25900305, 26110311). This suggests that this residue is clinically significant, and that variants that disrupt this residue are likely to be disease-causing. For these reasons, this variant has been classified as Pathogenic.

Blueprint Genetics
Classification: Pathogenic for TRPV4-related disorders. Last evaluated: 2022-10-14. Review status: criteria provided, single submitter. Criteria: ACMG Guidelines, 2015. Collection method: clinical testing. Allele origin: germline. Affected: yes. Observed: 4 variant alleles.

Baylor Genetics
Classification: Pathogenic for Charcot-Marie-Tooth disease axonal type 2C. Last evaluated: 2022-04-17. Review status: criteria provided, single submitter. Criteria: ACMG Guidelines, 2015. Collection method: clinical testing. Allele origin: unknown.

CeGaT Center for Human Genetics Tuebingen
Classification: Pathogenic. Last evaluated: 2020-11-01. Review status: criteria provided, single submitter. Criteria: CeGaT Center For Human Genetics Tuebingen Variant Classification Criteria Version 2. Collection method: clinical testing. Allele origin: germline. Affected: yes. Observed: 1 variant allele.

Mayo Clinic Laboratories, Mayo Clinic
Classification: Pathogenic. Last evaluated: 2019-04-27. Review status: criteria provided, single submitter. Criteria: ACMG Guidelines, 2015. Collection method: clinical testing. Allele origin: germline. Observed: 1 variant allele.
Comment: PS3, PS4_moderate, PM1, PM2, PM6, PP1, PP5

Fulgent Genetics
Classification: Pathogenic for Brachyrachia (short spine dysplasia); Metatropic dysplasia; Parastremmatic dwarfism; Scapuloperoneal spinal muscular atrophy; Spondyloepimetaphyseal dysplasia, Maroteaux type; Spondylometaphyseal dysplasia, Kozlowski type; Neuronopathy, distal hereditary motor, autosomal dominant 8; Charcot-Marie-Tooth disease axonal type 2C; Familial digital arthropathy-brachydactyly; Sodium serum level quantitative trait locus 1; Avascular necrosis of femoral head, primary, 2. Last evaluated: 2018-10-31. Review status: criteria provided, single submitter. Criteria: ACMG Guidelines, 2015. Collection method: clinical testing. Allele origin: unknown.

Molecular Diagnostics Lab, Nemours Children's Health, Delaware
Classification: Likely pathogenic for Charcot-Marie-Tooth disease axonal type 2C. Last evaluated: 2016-06-23. Review status: criteria provided, single submitter. Criteria: ACMG Guidelines, 2015. Collection method: clinical testing. Allele origin: unknown. Affected: yes. Observed: 1 heterozygote.

Ambry Genetics
Classification: Pathogenic for Inborn genetic diseases. Last evaluated: 2016-06-20. Review status: criteria provided, single submitter. Criteria: Ambry exome assertion method (8-5-2015). Collection method: clinical testing. Allele origin: germline. Affected: yes. Observed: 1 variant allele.

Athena Diagnostics
Classification: Pathogenic for Charcot-Marie-Tooth disease type 2C. Last evaluated: 2015-09-21. Review status: criteria provided, single submitter. Criteria: Athena Diagnostics Criteria. Collection method: clinical testing. Allele origin: germline. Inheritance: Autosomal dominant inheritance.

Molecular Genetics Laboratory, London Health Sciences Centre
Classification: Pathogenic for Charcot-Marie-Tooth disease. Review status: criteria provided, single submitter. Criteria: ACMG Guidelines, 2015. Collection method: clinical testing. Allele origin: germline. Affected: yes.

Institute of Human Genetics, Cologne University
Classification: Pathogenic for Neuronopathy, distal hereditary motor, autosomal dominant 8. Last evaluated: 2018-04-25. Review status: no assertion criteria provided. Collection method: clinical testing. Allele origin: germline. Affected: yes. Not counted in ClinVar's aggregate classification.

OMIM
Classification: Pathogenic for NEURONOPATHY, DISTAL HEREDITARY MOTOR, AUTOSOMAL DOMINANT 8. Last evaluated: 2011-03-08. Review status: no assertion criteria provided. Collection method: literature only. Allele origin: germline. Not counted in ClinVar's aggregate classification.

OMIM
Classification: Pathogenic for HEREDITARY MOTOR AND SENSORY NEUROPATHY, TYPE IIC. Last evaluated: 2011-03-08. Review status: no assertion criteria provided. Collection method: literature only. Allele origin: germline. Not counted in ClinVar's aggregate classification.

GeneReviews
No classification provided. Condition: Neuromuscular disease. Review status: no classification provided. Collection method: literature only. Allele origin: germline. Affected: yes. Not counted in ClinVar's aggregate classification.

Lupski Lab, Baylor-Hopkins CMG, Baylor College of Medicine
Classification: Uncertain significance for Neuronopathy, distal hereditary motor, autosomal dominant 8. Review status: no assertion criteria provided. Collection method: research. Allele origin: de novo. Inheritance: Autosomal dominant inheritance. Affected: yes. Observed: 1 variant allele, 1 homozygote. Not counted in ClinVar's aggregate classification.

Literature cited by the submitters: PubMed 24575025 (cited by 4 submitters); PubMed 25256292 (cited by 3billion and Labcorp Genetics (formerly Invitae), Labcorp); PubMed 20037587 (cited by 5 submitters); PubMed 20037586 (cited by 6 submitters); PubMed 20460441 (cited by 3billion and Labcorp Genetics (formerly Invitae), Labcorp); PubMed 21288981 (cited by 3 submitters); PubMed 24789864 (cited by 5 submitters); PubMed 20037588 (cited by 6 submitters); PubMed 21454511 (cited by 4 submitters); PubMed 39033378 (cited by Broad Center for Mendelian Genomics, Broad Institute of MIT and Harvard); PubMed 21336783 (cited by Labcorp Genetics (formerly Invitae), Labcorp); PubMed 25900305 (cited by Labcorp Genetics (formerly Invitae), Labcorp); PubMed 26110311 (cited by Labcorp Genetics (formerly Invitae), Labcorp); PubMed 24963089 (cited by Mayo Clinic Laboratories, Mayo Clinic); PubMed 26948711 (cited by Mayo Clinic Laboratories, Mayo Clinic); PubMed 27751652 (cited by Mayo Clinic Laboratories, Mayo Clinic); PubMed 30373780 (cited by Mayo Clinic Laboratories, Mayo Clinic); PubMed 29858556 (cited by Mayo Clinic Laboratories, Mayo Clinic); PubMed 30230566 (cited by Mayo Clinic Laboratories, Mayo Clinic); PubMed 22702953 (cited by 3 submitters); PubMed 4056805 (cited by OMIM); PubMed 8179305 (cited by OMIM); PubMed 20104247 (cited by OMIM); NCBI Bookshelf NBK201366 (cited by GeneReviews).